The following is an entry in ClinVar:

ClinVar aggregate classification (germline): Conflicting classifications of pathogenicity. Review status: criteria provided, conflicting classifications (1 of 4 stars). 14 submissions from 14 submitters: Uncertain significance (13); Likely benign (1). Last evaluated 2026-01-28.

Conditions:
SDHC-related disorder. Also called: SDHC-related condition.
Pheochromocytoma/paraganglioma syndrome 3. Also called: Paragangliomas 3; GLOMUS TUMORS, FAMILIAL, 3; SDHC-Related Hereditary Paraganglioma-Pheochromocytoma Syndrome (Paragangliomas 3); SDHC-Related Hereditary Paraganglioma-Pheochromocytoma Syndrome. Identifiers: Orphanet 29072, MedGen C1854336, MONDO:0011544, OMIM 605373.
Gastrointestinal stromal tumor. Also called: Gastrointestinal stroma tumor; Gastrointestinal stromal tumor, somatic. Identifiers: Orphanet 44890, MedGen C0238198, MeSH D046152, MONDO:0011719, OMIM 606764, HP:0100723.
Carney-Stratakis syndrome. Also called: PARAGANGLIOMA AND GASTROINTESTINAL STROMAL TUMOR. Identifiers: Orphanet 97286, MedGen C1847319, MONDO:0011740, OMIM 606864.
Hereditary cancer-predisposing syndrome. Also called: Neoplastic Syndromes, Hereditary; Tumor predisposition; Hereditary Cancer Syndrome; Hereditary neoplastic syndrome. Identifiers: Orphanet 140162, MedGen C0027672, MeSH D009386, MONDO:0015356.
Hereditary pheochromocytoma and paraganglioma. Also called: Hereditary Paraganglioma-Pheochromocytoma Syndromes; Hereditary paragangliomas and pheochromocytomas; Hereditary pheochromocytoma-paraganglioma. Identifiers: Orphanet 29072, MedGen C4274332, MONDO:0017366.

Allele frequency attached by ClinVar (database versions not stated): gnomAD exomes 0.00005; ExAC 0.00006; gnomAD 0.00007; ESP Exome Variant Server 0.00008; TOPMed 0.00012; 1000 Genomes Project 30x 0.00016; 1000 Genomes Project 0.00020.
gnomAD v4.1: 172 of 1,612,914 alleles (0.011%); highest among the groups gnomAD compares: Non-Finnish European, 0.013%; no homozygotes.

Submissions (14):

Labcorp Genetics (formerly Invitae), Labcorp
Classification: Uncertain significance for Pheochromocytoma/paraganglioma syndrome 3; Gastrointestinal stromal tumor. Last evaluated: 2026-01-28. Review status: criteria provided, single submitter. Criteria: Invitae Variant Classification Sherloc (09022015). Collection method: clinical testing. Allele origin: germline.
Comment: This sequence change replaces threonine, which is neutral and polar, with methionine, which is neutral and non-polar, at codon 33 of the SDHC protein (p.Thr33Met). This variant is present in population databases (rs148566767, gnomAD 0.01%). This variant has not been reported in the literature in individuals affected with SDHC-related conditions. ClinVar contains an entry for this variant (Variation ID: 407054). An algorithm developed to predict the effect of missense changes on protein structure and function (PolyPhen-2) suggests that this variant is likely to be disruptive. In summary, the available evidence is currently insufficient to determine the role of this variant in disease. Therefore, it has been classified as a Variant of Uncertain Significance.

Ambry Genetics
Classification: Uncertain significance for Hereditary cancer-predisposing syndrome. Last evaluated: 2026-01-14. Review status: criteria provided, single submitter. Criteria: Ambry Variant Classification Scheme 2023. Collection method: clinical testing. Allele origin: germline.
Comment: The c.98C>T (p.T33M) alteration is located in exon 3 (coding exon 3) of the SDHC gene. This alteration results from a C to T substitution at nucleotide position 98, causing the threonine (T) at amino acid position 33 to be replaced by a methionine (M). Based on data from gnomAD, the T allele has an overall frequency of 0.005% (14/282888) total alleles studied. The highest observed frequency was 0.01% (2/19952) of East Asian alleles. Based on insufficient or conflicting evidence, the clinical significance of this alteration remains unclear.

Quest Diagnostics Nichols Institute San Juan Capistrano
Classification: Uncertain significance. Last evaluated: 2025-10-22. Review status: criteria provided, single submitter. Criteria: Quest Diagnostics criteria. Collection method: clinical testing. Allele origin: unknown.
Comment: The SDHC c.98C>T (p.Thr33Met) variant has been reported in the published literature in an individual with clear cell renal carcinoma (PMID: 35441217 (2022)) as well as in reportedly unaffected individuals (PMID: 38473309 (2024)). The frequency of this variant in the general population (Genome Aggregation Database) is uninformative in the assessment of its pathogenicity. Analysis of this variant using bioinformatics tools for the prediction of the effect of amino acid changes on protein structure and function yielded conflicting predictions that this variant is benign or damaging. Based on the available information, we are unable to determine the clinical significance of this variant.

Molecular Pathology, Peter Maccallum Cancer Centre
Classification: Uncertain significance for Pheochromocytoma/paraganglioma syndrome 3. Last evaluated: 2025-05-26. Review status: criteria provided, single submitter. Criteria: ACMG Guidelines, 2015. Collection method: clinical testing. Allele origin: germline. Inheritance: Autosomal dominant inheritance.

Laboratory of Genetics, Children's Clinical University Hospital Latvia
Classification: Likely benign. Last evaluated: 2025-02-16. Review status: criteria provided, single submitter. Criteria: ACMG Guidelines, 2015. Collection method: clinical testing. Allele origin: germline. Affected: yes.

PreventionGenetics, part of Exact Sciences
Classification: Uncertain significance for SDHC-related condition. Last evaluated: 2024-12-14. Review status: criteria provided, single submitter. Criteria: ACMG Guidelines, 2015. Collection method: clinical testing. Allele origin: germline.
Comment: The SDHC c.98C>T variant is predicted to result in the amino acid substitution p.Thr33Met. To our knowledge, this variant has not been reported in the literature. This variant is reported in 0.010% of alleles in individuals of East Asian descent in gnomAD and is interpreted as a variant uncertain significance in ClinVar. At this time, the clinical significance of this variant is uncertain due to the absence of conclusive functional and genetic evidence.

All of Us Research Program, National Institutes of Health
Classification: Uncertain significance for Hereditary pheochromocytoma and paraganglioma. Last evaluated: 2024-09-23. Review status: criteria provided, single submitter. Criteria: ACMG Guidelines, 2015. Collection method: clinical testing. Allele origin: germline. Inheritance: Autosomal dominant inheritance. Observed: 25 variant alleles, 25 heterozygotes.
Comment: This missense variant replaces threonine with methionine at codon 33 of the SDHC protein. Computational prediction is inconclusive regarding the impact of this variant on protein structure and function (internally defined REVEL score threshold 0.5 < inconclusive < 0.7, PMID: 27666373). To our knowledge, functional studies have not been reported for this variant. This variant has been reported in an individual affected with clear cell renal carcinoma (PMID: 35441217). This variant has been identified in 14/282888 chromosomes in the general population by the Genome Aggregation Database (gnomAD). The available evidence is insufficient to determine the role of this variant in disease conclusively. Therefore, this variant is classified as a Variant of Uncertain Significance.

This study involves interpretation of variants in research participants for the purpose of population health screening. Participant phenotype was not available at the time of variant classification. Additional details can be found in publication PMID: 35346344, PMCID: PMC8962531

Mayo Clinic Laboratories, Mayo Clinic
Classification: Uncertain significance. Last evaluated: 2024-06-06. Review status: criteria provided, single submitter. Criteria: ACMG Guidelines, 2015. Collection method: clinical testing. Allele origin: germline. Observed: 3 variant alleles.

Fulgent Genetics
Classification: Uncertain significance for Pheochromocytoma/paraganglioma syndrome 3; Gastrointestinal stromal tumor; Carney-Stratakis syndrome. Last evaluated: 2024-05-08. Review status: criteria provided, single submitter. Criteria: ACMG Guidelines, 2015. Collection method: clinical testing. Allele origin: germline.

Color Diagnostics, LLC DBA Color Health
Classification: Uncertain significance for Hereditary pheochromocytoma and paraganglioma. Last evaluated: 2024-01-29. Review status: criteria provided, single submitter. Criteria: ACMG Guidelines, 2015. Collection method: clinical testing. Allele origin: germline.
Comment: This missense variant replaces threonine with methionine at codon 33 of the SDHC protein. Computational prediction is inconclusive regarding the impact of this variant on protein structure and function (internally defined REVEL score threshold 0.5 < inconclusive < 0.7, PMID: 27666373). To our knowledge, functional studies have not been reported for this variant. This variant has been reported in an individual affected with clear cell renal carcinoma (PMID: 35441217). This variant has been identified in 14/282888 chromosomes in the general population by the Genome Aggregation Database (gnomAD). The available evidence is insufficient to determine the role of this variant in disease conclusively. Therefore, this variant is classified as a Variant of Uncertain Significance.

Baylor Genetics
Classification: Uncertain significance for Gastrointestinal stromal tumor. Last evaluated: 2023-10-17. Review status: criteria provided, single submitter. Criteria: ACMG Guidelines, 2015. Collection method: clinical testing. Allele origin: unknown.

Women's Health and Genetics/Laboratory Corporation of America, LabCorp
Classification: Uncertain significance. Last evaluated: 2023-10-12. Review status: criteria provided, single submitter. Criteria: LabCorp Variant Classification Summary - May 2015. Collection method: clinical testing. Allele origin: germline.
Comment: Variant summary: SDHC c.98C>T (p.Thr33Met) results in a non-conservative amino acid change in the encoded protein sequence. Four of five in-silico tools predict a damaging effect of the variant on protein function. The variant allele was found at a frequency of 5.2e-05 in 251480 control chromosomes. The observed variant frequency is approximately 330.84 fold of the estimated maximal expected allele frequency for a pathogenic variant in SDHC causing Hereditary Paraganglioma-Pheochromocytoma Syndrome phenotype (1.6e-07), suggesting that the variant may be benign. c.98C>T has been reported in the literature in individuals affected with renal cell carcinoma or an unspecified cancer type, without evidence of causality (e.g. Kim_2018, Yngvadottir_2022). These report(s) do not provide unequivocal conclusions about association of the variant with Hereditary Paraganglioma-Pheochromocytoma Syndrome. To our knowledge, no experimental evidence demonstrating an impact on protein function has been reported. The following publications have been ascertained in the context of this evaluation (PMID: 30583724, 35441217). Four submitters have cited clinical-significance assessments for this variant to ClinVar after 2014. All submitters classified the variant as uncertain significance. Based on the evidence outlined above, the variant was classified as VUS-possibly benign.

GeneDx
Classification: Uncertain significance. Last evaluated: 2023-09-22. Review status: criteria provided, single submitter. Criteria: GeneDx Variant Classification Process June 2021. Collection method: clinical testing. Allele origin: germline. Affected: yes.
Comment: Not observed at significant frequency in large population cohorts (gnomAD); In silico analysis supports that this missense variant has a deleterious effect on protein structure/function; Identified in an individual with bilateral renal cell carcinoma in published literature (PMID: 35441217); This variant is associated with the following publications: (PMID: 35441217)

Blueprint Genetics
Classification: Uncertain significance. Last evaluated: 2023-03-06. Review status: criteria provided, single submitter. Criteria: ACMG Guidelines, 2015. Collection method: clinical testing. Allele origin: germline.

Literature cited by the submitters: PubMed 38473309 (cited by Quest Diagnostics Nichols Institute San Juan Capistrano); PubMed 35441217 (cited by 4 submitters); PubMed 30583724 (cited by Women's Health and Genetics/Laboratory Corporation of America, LabCorp).

NM_003001.5(SDHC):c.98C>T (p.Thr33Met)

Gene: SDHC (succinate dehydrogenase complex subunit C; plus strand). Cytogenetic location: 1q23.3.
Variant type: single nucleotide variant.
Coding change: c.98C>T on transcript NM_003001.5 (MANE Select); coding-DNA position 98, C replaced by T.
Protein change: p.Thr33Met; replaces threonine 33 with methionine.
Molecular consequence: missense variant. On other transcripts: 5 prime UTR variant (2), non-coding transcript variant (1), intron variant (4).
Genome position (GRCh38, 1-based): chr1:161,328,416, C>T. VCF-style: chr1-161328416-C-T. GRCh37 (hg19) VCF-style: chr1-161298206-C-T.
Other names: p.Thr33Met; c.98C>T, p.Thr33Met (NM_001035511.3, NM_001407115.1); c.41C>T, p.Thr14Met (NM_001407116.1, NM_001407117.1, NM_001407121.1); c.-14C>T (NM_001407119.1, NM_001407120.1); c.77+4746C>T (NM_001035512.3, NM_001278172.3, NM_001407118.1); c.21-12178C>T (NM_001035513.3); short protein forms T33M, T14M.
Identifiers: ClinVar variation 407054 (VCV000407054.37), dbSNP rs148566767, ClinGen allele CA048701.